The following is an entry in ClinVar:

NM_000038.6(APC):c.8436C>T (p.Asn2812=)

Gene: APC (APC regulator of Wnt signaling pathway; plus strand). Cytogenetic location: 5q22.2.
Variant type: single nucleotide variant.
Coding change: c.8436C>T on transcript NM_000038.6 (MANE Select); coding-DNA position 8436, C replaced by T.
Protein change: p.Asn2812=; no amino-acid change (asparagine 2812 retained).
Molecular consequence: synonymous variant.
Genome position (GRCh38, 1-based): chr5:112,844,030, C>T. VCF-style: chr5-112844030-C-T. GRCh37 (hg19) VCF-style: chr5-112179727-C-T.
Other names: c.8436C>T, p.Asn2812= (NM_001127510.3, NM_001354895.2); c.8382C>T, p.Asn2794= (NM_001127511.3); c.8490C>T, p.Asn2830= (NM_001354896.2); c.8466C>T, p.Asn2822= (NM_001354897.2); c.8361C>T, p.Asn2787= (NM_001354898.2); c.8352C>T, p.Asn2784= (NM_001354899.2); c.8313C>T, p.Asn2771= (NM_001354900.2); c.8259C>T, p.Asn2753= (NM_001354901.2); and 5 more.
Identifiers: ClinVar variation 537592 (VCV000537592.17), dbSNP rs750971628, ClinGen allele CA446211382.

ClinVar aggregate classification (germline): Benign/Likely benign. Review status: criteria provided, multiple submitters, no conflicts (2 of 4 stars). 4 submissions from 4 submitters: Benign (1); Likely benign (3). Last evaluated 2024-04-15.

Conditions:
Hereditary cancer-predisposing syndrome. Also called: Tumor predisposition; Hereditary Cancer Syndrome; Hereditary neoplastic syndrome; Neoplastic Syndromes, Hereditary. Identifiers: Orphanet 140162, MedGen C0027672, MeSH D009386, MONDO:0015356.
Familial adenomatous polyposis 1 (FAP1). Also called: FAMILIAL ADENOMATOUS POLYPOSIS 1, ATTENUATED; POLYPOSIS, ADENOMATOUS INTESTINAL. Identifiers: MedGen C2713442, MONDO:0021056, OMIM 175100. Disease mechanism: loss of function.

Allele frequency attached by ClinVar (database versions not stated): TOPMed below 0.00001; gnomAD 0.00001.
gnomAD v4.1: 1 of 1,602,484 alleles (0.000062%); highest among the groups gnomAD compares: Non-Finnish European, 0.000085%; no homozygotes.

Submissions (4):

Myriad Genetics, Inc.
Classification: Benign for Familial adenomatous polyposis 1. Last evaluated: 2024-04-15. Review status: criteria provided, single submitter. Criteria: Myriad Autosomal Dominant, Autosomal Recessive and X-Linked Classification Criteria (2023). Collection method: clinical testing. Allele origin: unknown.
Comment: This variant is considered benign. This variant is a silent/synonymous amino acid change and it is not expected to impact splicing.

Labcorp Genetics (formerly Invitae), Labcorp
Classification: Likely benign for Familial adenomatous polyposis 1. Last evaluated: 2023-07-17. Review status: criteria provided, single submitter. Criteria: Invitae Variant Classification Sherloc (09022015). Collection method: clinical testing. Allele origin: germline.

Color Diagnostics, LLC DBA Color Health
Classification: Likely benign for Hereditary cancer-predisposing syndrome. Last evaluated: 2019-01-22. Review status: criteria provided, single submitter. Criteria: ACMG Guidelines, 2015. Collection method: clinical testing. Allele origin: germline.

Ambry Genetics
Classification: Likely benign for Hereditary cancer-predisposing syndrome. Last evaluated: 2018-02-23. Review status: criteria provided, single submitter. Criteria: Ambry Variant Classification Scheme 2023. Collection method: clinical testing. Allele origin: germline.